The following is an entry in ClinVar:

ClinVar aggregate classification (germline): Pathogenic (1 of 4 stars; one submission).

Conditions:
Leber congenital amaurosis 2 (LCA2). Also called: AMAUROSIS CONGENITA OF LEBER II; Autosomal Recessive RPE65-Related Retinal Degeneration. Identifiers: Orphanet 65, MedGen C1859844, MONDO:0008765, OMIM 204100. Disease mechanism: loss of function.
Retinitis pigmentosa 20 (RP20). Identifiers: Orphanet 791, MedGen C3151086, MONDO:0013425, OMIM 613794.

gnomAD v4.1: 1 of 1,613,952 alleles (0.000062%); highest among the groups gnomAD compares: African/African-American, 0.0013%; no homozygotes.

Submission:

Labcorp Genetics (formerly Invitae), Labcorp
Classification: Pathogenic for Leber congenital amaurosis 2; Retinitis pigmentosa 20. Last evaluated: 2024-07-14. Review status: criteria provided, single submitter. Criteria: Invitae Variant Classification Sherloc (09022015). Collection method: clinical testing. Allele origin: germline.
Comment: This sequence change replaces arginine, which is basic and polar, with proline, which is neutral and non-polar, at codon 44 of the RPE65 protein (p.Arg44Pro). This variant is not present in population databases (gnomAD no frequency). This missense change has been observed in individual(s) with clinical features of Leber congenital amaurosis (Invitae). In at least one individual the data is consistent with being in trans (on the opposite chromosome) from a pathogenic variant. ClinVar contains an entry for this variant (Variation ID: 2170981). Advanced modeling of protein sequence and biophysical properties (such as structural, functional, and spatial information, amino acid conservation, physicochemical variation, residue mobility, and thermodynamic stability) performed at Invitae indicates that this missense variant is expected to disrupt RPE65 protein function with a positive predictive value of 80%. Algorithms developed to predict the effect of sequence changes on RNA splicing suggest that this variant may disrupt the consensus splice site. This variant disrupts the p.Arg44 amino acid residue in RPE65. Other variant(s) that disrupt this residue have been determined to be pathogenic (PMID: 11462243, 15024725, 16150724, 18539930, 19431183, 20079931). This suggests that this residue is clinically significant, and that variants that disrupt this residue are likely to be disease-causing. For these reasons, this variant has been classified as Pathogenic.

Literature cited by the submitters: PubMed 11462243; PubMed 15024725; PubMed 16150724; PubMed 18539930; PubMed 19431183; PubMed 20079931.

NM_000329.3(RPE65):c.131G>C (p.Arg44Pro)

Gene: RPE65 (retinoid isomerohydrolase RPE65; minus strand). Cytogenetic location: 1p31.3.
Variant type: single nucleotide variant.
Coding change: c.131G>C on transcript NM_000329.3 (MANE Select); coding-DNA position 131, G replaced by C.
Protein change: p.Arg44Pro; replaces arginine 44 with proline.
Molecular consequence: missense variant.
Genome position (GRCh38, 1-based): chr1:68,446,824, C>G on the plus strand (G>C on the coding strand, the complement: RPE65 is on the minus strand). VCF-style: chr1-68446824-C-G. GRCh37 (hg19) VCF-style: chr1-68912507-C-G.
Other names: c.131G>C, p.Arg44Pro (NM_001406853.1, NM_001406859.1, NM_001406860.1); c.-146G>C (NM_001406857.1); short protein forms R44P.
Identifiers: ClinVar variation 2170981 (VCV002170981.4), dbSNP rs61751282, ClinGen allele CA340749207.